The following is an entry in ClinVar:

ClinVar aggregate classification (germline): Pathogenic (1 of 4 stars; one submission).

Conditions:
ACE-related disorder. Also called: ACE-related condition; ACE-related disorders.

Allele frequency attached by ClinVar (database versions not stated): gnomAD exomes 0.00001; ExAC 0.00002.
gnomAD v4.1: 9 of 1,614,068 alleles (0.00056%); highest among the groups gnomAD compares: South Asian, 0.0044%; no homozygotes.

Submissions (2):

PreventionGenetics, part of Exact Sciences
Classification: Pathogenic for ACE-related condition. Last evaluated: 2023-07-06. Review status: criteria provided, single submitter. Criteria: ACMG Guidelines, 2015. Collection method: clinical testing. Allele origin: germline.
Comment: The ACE c.3503+1G>A variant is predicted to disrupt the GT donor site and interfere with normal splicing. This variant was reported in the compound heterozygous state in at least one individual with renal tubular dysgenesis (Gribouval et al 2012. PubMed ID: 22095942; Ruf K et al 2018. PubMed ID: 30598831). This variant is reported in 0.0098% of alleles in individuals of South Asian descent in gnomAD. Variants that disrupt the consensus splice donor site in ACE are expected to be pathogenic. This variant is interpreted as pathogenic.

Dr. Peter K. Rogan Lab, Western University
No classification provided (evidence only). Condition: Gastric cancer. Review status: no classification provided. Collection method: in vitro. Allele origin: not applicable. Functional consequence: skipped exon. Not counted in ClinVar's aggregate classification.

NM_000789.4(ACE):c.3503+1G>A

Gene: ACE (angiotensin I converting enzyme; plus strand). Cytogenetic location: 17q23.3.
Variant type: single nucleotide variant.
Coding change: c.3503+1G>A on transcript NM_000789.4 (MANE Select); the canonical splice donor site of the intron after coding-DNA position 3503, G replaced by A.
Molecular consequence: splice donor variant. On other transcripts: intron variant (2).
Genome position (GRCh38, 1-based): chr17:63,496,517, G>A. VCF-style: chr17-63496517-G-A. GRCh37 (hg19) VCF-style: chr17-61573878-G-A.
Other names: NC_000017.10:g.61573878G>A; c.2651+1G>A (NM_001382701.1); c.2936+1G>A (NM_001382700.1); c.1781+1G>A (NM_152830.3); c.1659-281G>A (NM_001178057.2); c.1119-281G>A (NM_001382702.1).
Identifiers: ClinVar variation 2631754 (VCV002631754.2), dbSNP rs779188587, ClinGen allele CA8700515.
Genomic context (GRCh38, chr17:63,496,517, plus strand): 5'-CACGGGCCCCCTGCACAAGTGTGACATCTACCAGTCCAAGGAGGCCGGGCAGCGCCTGGC[G>A]TGAGTGTCCTCCAGCCCTCCTTTGTTTCCATGCTCTGGCCTGCGCCCCTGGGCCTTGAGG-3'